The following is an entry in ClinVar:

ClinVar aggregate classification (germline): Uncertain significance (1 of 4 stars; one submission).

Submission:

GeneDx
Classification: Uncertain significance. Last evaluated: 2025-06-02. Review status: criteria provided, single submitter. Criteria: GeneDx Variant Classification Process June 2021. Collection method: clinical testing. Allele origin: germline. Affected: yes.
Comment: Not observed at significant frequency in large population cohorts (gnomAD); In silico analysis supports that this missense variant has a deleterious effect on protein structure/function; Reported in a patient with clinical features of Goltz-Gorlin (PMID: 21472892); This variant is associated with the following publications: (PMID: 21472892)

NM_203475.3(PORCN):c.754C>T (p.His252Tyr)

Gene: PORCN (porcupine O-acyltransferase; plus strand). Cytogenetic location: Xp11.23.
Variant type: single nucleotide variant.
Coding change: c.754C>T on transcript NM_203475.3 (MANE Select); coding-DNA position 754, C replaced by T.
Protein change: p.His252Tyr; replaces histidine 252 with tyrosine.
Molecular consequence: missense variant. On other transcripts: non-coding transcript variant (2).
Genome position (GRCh38, 1-based): chrX:48,514,274, C>T. VCF-style: chrX-48514274-C-T. GRCh37 (hg19) VCF-style: chrX-48372662-C-T.
Other names: c.508C>T, p.His170Tyr (NM_001282167.2); c.1078C>T, p.His360Tyr (NM_001441333.1); c.1060C>T, p.His354Tyr (NM_001441334.1); c.826C>T, p.His276Tyr (NM_001441335.1); c.913C>T, p.His305Tyr (NM_001441336.1); c.721C>T, p.His241Tyr (NM_022825.4); c.739C>T, p.His247Tyr (NM_203473.3); c.736C>T, p.His246Tyr (NM_203474.1); short protein forms H170Y, H241Y, H246Y, H247Y, H252Y, H276Y, H305Y, H354Y.
Identifiers: ClinVar variation 4536401 (VCV004536401.1).